The following is an entry in ClinVar:

ClinVar aggregate classification (germline): Uncertain significance (1 of 4 stars; one submission).

gnomAD v4.1: 12 of 1,613,578 alleles (0.00074%); highest among the groups gnomAD compares: Admixed American, 0.015%; no homozygotes.

Submission:

Labcorp Genetics (formerly Invitae), Labcorp
Classification: Uncertain significance. Last evaluated: 2025-10-11. Review status: criteria provided, single submitter. Criteria: Invitae Variant Classification Sherloc (09022015). Collection method: clinical testing. Allele origin: germline.
Comment: This sequence change replaces glutamine, which is neutral and polar, with glutamic acid, which is acidic and polar, at codon 175 of the JAK2 protein (p.Gln175Glu). This variant is present in population databases (rs756128160, gnomAD 0.02%). This variant has not been reported in the literature in individuals affected with JAK2-related conditions. An algorithm developed to predict the effect of missense changes on protein structure and function (PolyPhen-2) suggests that this variant is likely to be tolerated. In summary, the available evidence is currently insufficient to determine the role of this variant in disease. Therefore, it has been classified as a Variant of Uncertain Significance.

NM_004972.4(JAK2):c.523C>G (p.Gln175Glu)

Genes: INSL6 (insulin like 6; minus strand), JAK2 (Janus kinase 2; plus strand). Cytogenetic location: 9p24.1.
Variant type: single nucleotide variant.
Coding change: c.523C>G on transcript NM_004972.4 (MANE Select); coding-DNA position 523, C replaced by G.
Protein change: p.Gln175Glu; replaces glutamine 175 with glutamic acid.
Molecular consequence: missense variant. On other transcripts: 5 prime UTR variant (2), non-coding transcript variant (2).
Genome position (GRCh38, 1-based): chr9:5,050,740, C>G. VCF-style: chr9-5050740-C-G. GRCh37 (hg19) VCF-style: chr9-5050740-C-G.
Other names: c.523C>G, p.Gln175Glu (NM_001322194.2, NM_001322195.2, NM_001322196.2); c.-598C>G (NM_001322198.2, NM_001322199.2); c.76C>G, p.Gln26Glu (NM_001322204.2); short protein forms Q175E, Q26E.
Identifiers: ClinVar variation 4811153 (VCV004811153.1).